The following is an entry in ClinVar:

NM_001042492.3(NF1):c.4110+3A>C

Gene: NF1 (neurofibromin 1; plus strand). Cytogenetic location: 17q11.2.
Variant type: single nucleotide variant.
Coding change: c.4110+3A>C on transcript NM_001042492.3 (MANE Select); 3 bases into the intron after coding-DNA position 4110, A replaced by C.
Molecular consequence: intron variant.
Genome position (GRCh38, 1-based): chr17:31,249,122, A>C. VCF-style: chr17-31249122-A-C. GRCh37 (hg19) VCF-style: chr17-29576140-A-C.
Other names: c.4110+3A>C (NM_000267.4).
Identifiers: ClinVar variation 484005 (VCV000484005.13), dbSNP rs774669878, ClinGen allele CA8486326.
Genomic context (GRCh38, chr17:31,249,122, plus strand): 5'-CAGTTCCTCCTCAGAATTCCCCCCTCAACTTCGAAGTGTGTGCCACTGTTTATACCAGGT[A>C]TGCTTACAGTTAGAGATTACCATTATTAATCTAAAGTTAAATTATGAAGAATGCTTTATC-3'

ClinVar aggregate classification (germline): Conflicting classifications of pathogenicity. Review status: criteria provided, conflicting classifications (1 of 4 stars). 5 submissions from 5 submitters: Uncertain significance (4); Likely benign (1). Last evaluated 2024-05-20.

Conditions:
Cardiovascular phenotype. Identifiers: MedGen CN230736.
Hereditary cancer-predisposing syndrome. Also called: Hereditary neoplastic syndrome; Neoplastic Syndromes, Hereditary; Tumor predisposition; Hereditary Cancer Syndrome. Identifiers: Orphanet 140162, MedGen C0027672, MeSH D009386, MONDO:0015356.
Juvenile myelomonocytic leukemia (JMML). Also called: LEUKEMIA, JUVENILE MYELOMONOCYTIC, SOMATIC. Identifiers: Orphanet 86834, MedGen C0349639, MONDO:0011908, OMIM 607785, HP:0012209.
Neurofibromatosis-Noonan syndrome (NFNS). Also called: NEUROFIBROMATOSIS WITH NOONAN PHENOTYPE. Identifiers: Orphanet 638, MedGen C2931482, MONDO:0011035, OMIM 601321. Disease mechanism: loss of function.
Neurofibromatosis, familial spinal (FSNF). Identifiers: Orphanet 636, MedGen C1834235, MONDO:0008078, OMIM 162210. Disease mechanism: loss of function.
Neurofibromatosis, type 1 (NF1). Also called: VON RECKLINGHAUSEN DISEASE; Peripheral type neurofibromatosis; NEUROFIBROMATOSIS, TYPE I, SOMATIC; Neurofibromatosis, type I. Identifiers: Orphanet 636, MedGen C0027831, MONDO:0018975, OMIM 162200. Disease mechanism: loss of function.
Café-au-lait macules with pulmonary stenosis (WTSN). Also called: PULMONIC STENOSIS WITH CAFE-AU-LAIT SPOTS. Identifiers: MedGen C0553586, MONDO:0008672, OMIM 193520.

gnomAD v4.1: 3 of 1,613,768 alleles (0.00019%); highest among the groups gnomAD compares: Non-Finnish European, 0.00025%; no homozygotes.

Submissions (5):

Labcorp Genetics (formerly Invitae), Labcorp
Classification: Likely benign for Neurofibromatosis, type 1. Last evaluated: 2024-05-20. Review status: criteria provided, single submitter. Criteria: Invitae Variant Classification Sherloc (09022015). Collection method: clinical testing. Allele origin: germline.

Fulgent Genetics
Classification: Uncertain significance for Neurofibromatosis, type 1; Neurofibromatosis, familial spinal; Café-au-lait macules with pulmonary stenosis; Neurofibromatosis-Noonan syndrome; Juvenile myelomonocytic leukemia. Last evaluated: 2024-02-08. Review status: criteria provided, single submitter. Criteria: ACMG Guidelines, 2015. Collection method: clinical testing. Allele origin: germline.

GeneDx
Classification: Uncertain significance. Last evaluated: 2022-09-09. Review status: criteria provided, single submitter. Criteria: GeneDx Variant Classification Process June 2021. Collection method: clinical testing. Allele origin: germline. Affected: yes.
Comment: Not observed at significant frequency in large population cohorts (gnomAD); In silico analysis supports that this variant does not alter splicing; Has not been previously published as pathogenic or benign to our knowledge

Genome-Nilou Lab
Classification: Uncertain significance for Neurofibromatosis, type 1. Last evaluated: 2022-03-15. Review status: criteria provided, single submitter. Criteria: ACMG Guidelines, 2015. Collection method: clinical testing. Allele origin: germline. Affected: no.

Ambry Genetics
Classification: Uncertain significance for Cardiovascular phenotype; Hereditary cancer-predisposing syndrome. Last evaluated: 2022-02-10. Review status: criteria provided, single submitter. Criteria: Ambry Variant Classification Scheme 2023. Collection method: clinical testing. Allele origin: germline.
Comment: The c.4110+3A>C intronic alteration consists of a A to C substitution nucleotides after coding exon 30 in the NF1 gene. Based on insufficient or conflicting evidence, the clinical significance of this alteration remains unclear.